The following is an entry in ClinVar:

ClinVar aggregate classification (germline): Uncertain significance. Review status: criteria provided, multiple submitters, no conflicts (2 of 4 stars). 6 submissions from 6 submitters: Uncertain significance (4). 2 of the submissions do not count toward it. Last evaluated 2025-03-22.

Conditions:
Inborn genetic diseases. Identifiers: MedGen C0950123, MeSH D030342.
Glycogen storage disease, type V (GSD5). Also called: McArdle type glycogen storage disease; MCARDLE DISEASE; MUSCLE GLYCOGEN PHOSPHORYLASE DEFICIENCY; MYOPHOSPHORYLASE DEFICIENCY; PYGM DEFICIENCY. Identifiers: Orphanet 368, MedGen C0017924, MONDO:0009293, OMIM 232600.

Allele frequency attached by ClinVar (database versions not stated): gnomAD 0.00005 and 0.00007; TOPMed 0.00007.
gnomAD v4.1: 196 of 1,606,134 alleles (0.012%); highest among the groups gnomAD compares: Non-Finnish European, 0.016%; no homozygotes.

Submissions (6):

Ambry Genetics
Classification: Uncertain significance for Inborn genetic diseases. Last evaluated: 2025-03-22. Review status: criteria provided, single submitter. Criteria: Ambry Variant Classification Scheme 2023. Collection method: clinical testing. Allele origin: germline.

Fulgent Genetics
Classification: Uncertain significance for Glycogen storage disease, type V. Last evaluated: 2024-03-05. Review status: criteria provided, single submitter. Criteria: ACMG Guidelines, 2015. Collection method: clinical testing. Allele origin: germline.

GeneDx
Classification: Uncertain significance. Last evaluated: 2023-05-11. Review status: criteria provided, single submitter. Criteria: GeneDx Variant Classification Process June 2021. Collection method: clinical testing. Allele origin: germline. Affected: yes.
Comment: Not observed at significant frequency in large population cohorts (gnomAD); In silico analysis supports that this missense variant does not alter protein structure/function; Has not been previously published as pathogenic or benign to our knowledge

Labcorp Genetics (formerly Invitae), Labcorp
Classification: Uncertain significance for Glycogen storage disease, type V. Last evaluated: 2022-04-18. Review status: criteria provided, single submitter. Criteria: Invitae Variant Classification Sherloc (09022015). Collection method: clinical testing. Allele origin: germline.
Comment: This sequence change replaces alanine, which is neutral and non-polar, with threonine, which is neutral and polar, at codon 448 of the PYGM protein (p.Ala448Thr). This variant is present in population databases (rs749358752, gnomAD 0.01%). This variant has not been reported in the literature in individuals affected with PYGM-related conditions. ClinVar contains an entry for this variant (Variation ID: 451844). Algorithms developed to predict the effect of missense changes on protein structure and function output the following: SIFT: "Not Available"; PolyPhen-2: "Benign"; Align-GVGD: "Not Available". The threonine amino acid residue is found in multiple mammalian species, which suggests that this missense change does not adversely affect protein function. In summary, the available evidence is currently insufficient to determine the role of this variant in disease. Therefore, it has been classified as a Variant of Uncertain Significance.

Natera, Inc.
Classification: Uncertain significance for Glycogen storage disease V. Last evaluated: 2019-10-28. Review status: no assertion criteria provided. Collection method: clinical testing. Allele origin: germline. Not counted in ClinVar's aggregate classification.

Mayo Clinic Laboratories, Mayo Clinic
Classification: Uncertain significance. Last evaluated: 2017-07-12. Review status: no assertion criteria provided. Collection method: clinical testing. Allele origin: unknown. Not counted in ClinVar's aggregate classification.

NM_005609.4(PYGM):c.1342G>A (p.Ala448Thr)

Gene: PYGM (glycogen phosphorylase, muscle associated; minus strand). Cytogenetic location: 11q13.1.
Variant type: single nucleotide variant.
Coding change: c.1342G>A on transcript NM_005609.4 (MANE Select); coding-DNA position 1342, G replaced by A.
Protein change: p.Ala448Thr; replaces alanine 448 with threonine.
Molecular consequence: missense variant.
Genome position (GRCh38, 1-based): chr11:64,753,580, C>T on the plus strand (G>A on the coding strand, the complement: PYGM is on the minus strand). VCF-style: chr11-64753580-C-T. GRCh37 (hg19) VCF-style: chr11-64521052-C-T.
Other names: c.1078G>A, p.Ala360Thr (NM_001164716.1); short protein forms A448T, A360T.
Identifiers: ClinVar variation 451844 (VCV000451844.13), dbSNP rs749358752, ClinGen allele CA6079911.